The following is an entry in ClinVar:

NM_000548.5(TSC2):c.4817T>C (p.Phe1606Ser)

Gene: TSC2 (TSC complex subunit 2; plus strand). Cytogenetic location: 16p13.3.
Variant type: single nucleotide variant.
Coding change: c.4817T>C on transcript NM_000548.5 (MANE Select); coding-DNA position 4817, T replaced by C.
Protein change: p.Phe1606Ser; replaces phenylalanine 1606 with serine.
Molecular consequence: missense variant.
Genome position (GRCh38, 1-based): chr16:2,086,347, T>C. VCF-style: chr16-2086347-T-C. GRCh37 (hg19) VCF-style: chr16-2136348-T-C.
Other names: c.4616T>C, p.Phe1539Ser (NM_001077183.3); c.4748T>C, p.Phe1583Ser (NM_001114382.3); c.4508T>C, p.Phe1503Ser (NM_001318827.2); c.4472T>C, p.Phe1491Ser (NM_001318829.2); c.4085T>C, p.Phe1362Ser (NM_001318831.2); c.4649T>C, p.Phe1550Ser (NM_001318832.2); c.4619T>C, p.Phe1540Ser (NM_001363528.2); c.4685T>C, p.Phe1562Ser (NM_001370404.1); and 26 more; short protein forms F1135S, F1340S, F1382S, F1534S, F1546S, F1580S, F1005S, F1092S.
Identifiers: ClinVar variation 1743325 (VCV001743325.4), dbSNP rs2151575542, ClinGen allele CA394308087.
Genomic context (GRCh38, chr16:2,086,347, plus strand): 5'-ACTGCCAGCCGGACAAGGTGTACCTGGGAGGCCTGGACGTGTGTGGTGAGGACGGCCAGT[T>C]CACCTACTGCTGGCACGATGACATCATGCAAGGTACGGCCTGGCGCCTACCCGCTCCTGC-3'
Protein context (NP_000539.2, residues 1596-1616): GLDVCGEDGQ[Phe1606Ser]TYCWHDDIMQ

ClinVar aggregate classification (germline): Uncertain significance. Review status: criteria provided, multiple submitters, no conflicts (2 of 4 stars). 2 submissions from 2 submitters: Uncertain significance (2). Last evaluated 2026-07-13.

Conditions:
Hereditary cancer-predisposing syndrome. Also called: Hereditary Cancer Syndrome; Hereditary neoplastic syndrome; Neoplastic Syndromes, Hereditary; Tumor predisposition. Identifiers: Orphanet 140162, MedGen C0027672, MeSH D009386, MONDO:0015356.

Submissions (2):

Ambry Genetics
Classification: Uncertain significance for Hereditary cancer-predisposing syndrome. Last evaluated: 2026-07-13. Review status: criteria provided, single submitter. Criteria: Ambry Variant Classification Scheme 2023. Collection method: clinical testing. Allele origin: germline.
Comment: The p.F1606S variant (also known as c.4817T>C), located in coding exon 36 of the TSC2 gene, results from a T to C substitution at nucleotide position 4817. The phenylalanine at codon 1606 is replaced by serine, an amino acid with highly dissimilar properties. This amino acid position is highly conserved in available vertebrate species. In addition, this alteration is predicted to be deleterious by in silico analysis. Based on the available evidence, the clinical significance of this variant remains unclear.

GeneDx
Classification: Uncertain significance. Last evaluated: 2025-05-21. Review status: criteria provided, single submitter. Criteria: GeneDx Variant Classification Process June 2021. Collection method: clinical testing. Allele origin: germline. Affected: yes.
Comment: Not observed at significant frequency in large population cohorts (gnomAD); In silico analysis supports that this missense variant has a deleterious effect on protein structure/function; Has not been previously published as pathogenic or benign to our knowledge.